The following is an entry in ClinVar:

NM_014476.6(PDLIM3):c.23C>G (p.Pro8Arg)

Gene: PDLIM3 (PDZ and LIM domain 3; minus strand). Cytogenetic location: 4q35.1.
Variant type: single nucleotide variant.
Coding change: c.23C>G on transcript NM_014476.6 (MANE Select); coding-DNA position 23, C replaced by G.
Protein change: p.Pro8Arg; replaces proline 8 with arginine.
Molecular consequence: missense variant. On other transcripts: non-coding transcript variant (1).
Genome position (GRCh38, 1-based): chr4:185,535,412, G>C on the plus strand (C>G on the coding strand, the complement: PDLIM3 is on the minus strand). VCF-style: chr4-185535412-G-C. GRCh37 (hg19) VCF-style: chr4-186456566-G-C.
Other names: c.23C>G, p.Pro8Arg (NM_001114107.5, NM_001257962.2, NM_001257963.2); short protein forms P8R.
Identifiers: ClinVar variation 3305569 (VCV003305569.1).
Genomic context (GRCh38, chr4:185,535,412, plus strand): 5'-ACCAAAGGCTGGTTGAAGTCTATGCCCCCTGAGAGCCTGAAGCCCCAGGGCGCAGGGCCC[G>C]GGAGGATCACCGTCTGGGGCATGCCGCCTTCCTCCCGCCCACCGGGCTCTAAGTGTCCCC-3'
Protein context (NP_055291.2, residues 1-18): MPQTVIL[Pro8Arg]GPAPWGFRLS

ClinVar aggregate classification (germline): Uncertain significance (1 of 4 stars; one submission).

Submission:

Ambry Genetics
Classification: Uncertain significance. Last evaluated: 2024-06-21. Review status: criteria provided, single submitter. Criteria: Ambry Variant Classification Scheme 2023. Collection method: clinical testing. Allele origin: germline.
Comment: The p.P8R variant (also known as c.23C>G), located in coding exon 1 of the PDLIM3 gene, results from a C to G substitution at nucleotide position 23. The proline at codon 8 is replaced by arginine, an amino acid with dissimilar properties. This amino acid position is conserved. In addition, this alteration is predicted to be tolerated by in silico analysis. Based on the available evidence, the clinical significance of this variant remains unclear.